The following is an entry in ClinVar:

ClinVar aggregate classification (germline): Uncertain significance (1 of 4 stars; one submission).

Allele frequency attached by ClinVar (database versions not stated): ExAC 0.00001.

Submission:

Labcorp Genetics (formerly Invitae), Labcorp
Classification: Uncertain significance. Last evaluated: 2024-10-21. Review status: criteria provided, single submitter. Criteria: Invitae Variant Classification Sherloc (09022015). Collection method: clinical testing. Allele origin: germline.
Comment: This sequence change replaces leucine, which is neutral and non-polar, with valine, which is neutral and non-polar, at codon 2 of the MARS2 protein (p.Leu2Val). This variant is present in population databases (rs760220746, gnomAD 0.01%). This variant has not been reported in the literature in individuals affected with MARS2-related conditions. ClinVar contains an entry for this variant (Variation ID: 1910595). An algorithm developed to predict the effect of missense changes on protein structure and function outputs the following: PolyPhen-2: "Benign". The valine amino acid residue is found in multiple mammalian species, which suggests that this missense change does not adversely affect protein function. In summary, the available evidence is currently insufficient to determine the role of this variant in disease. Therefore, it has been classified as a Variant of Uncertain Significance.

NM_138395.4(MARS2):c.4C>G (p.Leu2Val)

Genes: MARS2 (methionyl-tRNA synthetase 2, mitochondrial; plus strand), LOC129935364 (ATAC-STARR-seq lymphoblastoid silent region 12216; plus strand). Cytogenetic location: 2q33.1.
Variant type: single nucleotide variant.
Coding change: c.4C>G on transcript NM_138395.4 (MANE Select); coding-DNA position 4, C replaced by G.
Protein change: p.Leu2Val; replaces leucine 2 with valine.
Molecular consequence: missense variant.
Genome position (GRCh38, 1-based): chr2:197,705,409, C>G. VCF-style: chr2-197705409-C-G. GRCh37 (hg19) VCF-style: chr2-198570133-C-G.
Other names: short protein forms L2V.
Identifiers: ClinVar variation 1910595 (VCV001910595.5), dbSNP rs760220746, ClinGen allele CA2044486.